The following is an entry in ClinVar:

NM_007294.4(BRCA1):c.5042C>T (p.Thr1681Ile)

Gene: BRCA1 (BRCA1 DNA repair associated; minus strand). Cytogenetic location: 17q21.31.
Variant type: single nucleotide variant.
Coding change: c.5042C>T on transcript NM_007294.4 (MANE Select); coding-DNA position 5042, C replaced by T.
Protein change: p.Thr1681Ile; replaces threonine 1681 with isoleucine.
Molecular consequence: missense variant. On other transcripts: non-coding transcript variant (1).
Genome position (GRCh38, 1-based): chr17:43,067,640, G>A on the plus strand (C>T on the coding strand, the complement: BRCA1 is on the minus strand). VCF-style: chr17-43067640-G-A. GRCh37 (hg19) VCF-style: chr17-41219657-G-A.
Other names: c.1604C>T, p.Thr535Ile (NM_001408446.1, NM_001408447.1, NM_001408448.1 and 2 more transcripts); c.1589C>T, p.Thr530Ile (NM_001408461.1, NM_001408462.1, NM_001408463.1 and 7 more transcripts); c.1586C>T, p.Thr529Ile (NM_001408468.1, NM_001408469.1, NM_001408470.1); c.1520C>T, p.Thr507Ile (NM_001408482.1, NM_001408483.1, NM_001408484.1 and 5 more transcripts); c.1517C>T, p.Thr506Ile (NM_001408492.1, NM_001408493.1); c.1466C>T, p.Thr489Ile (NM_001408504.1, NM_001408502.1, NM_001408503.1); c.1463C>T, p.Thr488Ile (NM_001408505.1); c.1406C>T, p.Thr469Ile (NM_001408506.1); and 70 more; short protein forms T1681I, T1634I, T1702I, T577I, T1385I, T1570I, T1592I, T1612I.
Identifiers: ClinVar variation 188416 (VCV000188416.18), dbSNP rs766784305, ClinGen allele CA003169.

ClinVar aggregate classification (germline): Uncertain significance. Review status: criteria provided, multiple submitters, no conflicts (2 of 4 stars). 3 submissions from 3 submitters: Uncertain significance (3). Last evaluated 2026-01-13.

Conditions:
Hereditary cancer-predisposing syndrome. Also called: Hereditary Cancer Syndrome; Hereditary neoplastic syndrome; Tumor predisposition; Neoplastic Syndromes, Hereditary. Identifiers: Orphanet 140162, MedGen C0027672, MeSH D009386, MONDO:0015356.
Hereditary breast ovarian cancer syndrome. Also called: Hereditary breast and ovarian cancer syndrome; Hereditary breast and ovarian cancer syndrome (HBOC); BRCA1- and BRCA2-Associated Hereditary Breast and Ovarian Cancer; Breast and ovarian cancer; Hereditary breast and ovarian cancer; Hereditary breast and/or ovarian cancer syndrome. Identifiers: Orphanet 145, MedGen C0677776, MeSH D061325, MONDO:0003582. Disease mechanism: loss of function.

Allele frequency attached by ClinVar (database versions not stated): gnomAD exomes below 0.00001; ExAC 0.00001.
gnomAD v4.1: 4 of 1,613,144 alleles (0.00025%); highest among the groups gnomAD compares: South Asian, 0.0022%; no homozygotes.

Submissions (4):

Labcorp Genetics (formerly Invitae), Labcorp
Classification: Uncertain significance for Hereditary breast ovarian cancer syndrome. Last evaluated: 2026-01-13. Review status: criteria provided, single submitter. Criteria: Invitae Variant Classification Sherloc (09022015). Collection method: clinical testing. Allele origin: germline.
Comment: This sequence change replaces threonine, which is neutral and polar, with isoleucine, which is neutral and non-polar, at codon 1681 of the BRCA1 protein (p.Thr1681Ile). This variant is present in population databases (rs766784305, gnomAD 0.003%). This variant has not been reported in the literature in individuals affected with BRCA1-related conditions. ClinVar contains an entry for this variant (Variation ID: 188416). Invitae Evidence Modeling incorporating data from in vitro experimental studies (PMID: 30209399) did not meet the statistical confidence thresholds required to predict the impact of this variant on BRCA1 function. Experimental studies are conflicting or provide insufficient evidence to determine the effect of this variant on BRCA1 function (PMID: 30209399). In summary, the available evidence is currently insufficient to determine the role of this variant in disease. Therefore, it has been classified as a Variant of Uncertain Significance.

Ambry Genetics
Classification: Uncertain significance for Hereditary cancer-predisposing syndrome. Last evaluated: 2025-03-05. Review status: criteria provided, single submitter. Criteria: Ambry Variant Classification Scheme 2023. Collection method: clinical testing. Allele origin: germline.
Comment: The p.T1681I variant (also known as c.5042C>T), located in coding exon 15 of the BRCA1 gene, results from a C to T substitution at nucleotide position 5042. The threonine at codon 1681 is replaced by isoleucine, an amino acid with similar properties. One functional study found that this nucleotide substitution had intermediate function in a high-throughput, genome editing, haploid cell survival assay (Findlay GM et al. Nature, 2018 Oct;562:217-222). This amino acid position is well conserved in available vertebrate species. In addition, the in silico prediction for this alteration is inconclusive. Since supporting evidence is limited at this time, the clinical significance of this alteration remains unclear.

Color Diagnostics, LLC DBA Color Health
Classification: Uncertain significance for Hereditary cancer-predisposing syndrome. Last evaluated: 2019-04-05. Review status: criteria provided, single submitter. Criteria: ACMG Guidelines, 2015. Collection method: clinical testing. Allele origin: germline.

Brotman Baty Institute, University of Washington
No classification provided (evidence only). Condition: Breast-ovarian cancer, familial 1. Review status: no classification provided. Collection method: in vitro. Allele origin: not applicable. Functional consequence: function_uncertain_variant. Not counted in ClinVar's aggregate classification.
ClinVar note: "not provided" was previously submitted as the classification for the variant. However, the classification appeared to be based only on an observation of functional data so it was converted to no classification on 2025-07-30.

Literature cited by the submitters: PubMed 30209399 (cited by Labcorp Genetics (formerly Invitae), Labcorp and Ambry Genetics).